The following is an entry in ClinVar:

NM_001065.4(TNFRSF1A):c.791C>A (p.Thr264Asn)

Gene: TNFRSF1A (TNF receptor superfamily member 1A; minus strand). Cytogenetic location: 12p13.31.
Variant type: single nucleotide variant.
Coding change: c.791C>A on transcript NM_001065.4 (MANE Select); coding-DNA position 791, C replaced by A.
Protein change: p.Thr264Asn; replaces threonine 264 with asparagine.
Molecular consequence: missense variant. On other transcripts: non-coding transcript variant (1).
Genome position (GRCh38, 1-based): chr12:6,330,044, G>T on the plus strand (C>A on the coding strand, the complement: TNFRSF1A is on the minus strand). VCF-style: chr12-6330044-G-T. GRCh37 (hg19) VCF-style: chr12-6439210-G-T.
Other names: c.467C>A, p.Thr156Asn (NM_001346091.2); c.332C>A, p.Thr111Asn (NM_001346092.2); short protein forms T156N, T264N, T111N.
Identifiers: ClinVar variation 2711316 (VCV002711316.3), dbSNP rs2497788857, ClinGen allele CA383546160.

ClinVar aggregate classification (germline): Uncertain significance (1 of 4 stars; one submission).

Conditions:
TNF receptor-associated periodic fever syndrome (TRAPS) (FPF). Also called: FAMILIAL HIBERNIAN FEVER; TNF RECEPTOR-ASSOCIATED PERIODIC SYNDROME; TUMOR NECROSIS FACTOR RECEPTOR-ASSOCIATED PERIODIC SYNDROME; Autosomal Dominant Familial Periodic Fever; TNF Receptor-Associated Periodic Fever Syndrome; TNF receptor 1-associated periodic fever syndrome. Identifiers: Orphanet 32960, MedGen C1275126, MONDO:0007727, OMIM 142680.

Submission:

Labcorp Genetics (formerly Invitae), Labcorp
Classification: Uncertain significance for TNF receptor-associated periodic fever syndrome (TRAPS). Last evaluated: 2024-01-25. Review status: criteria provided, single submitter. Criteria: Invitae Variant Classification Sherloc (09022015). Collection method: clinical testing. Allele origin: germline.
Comment: This sequence change replaces threonine, which is neutral and polar, with asparagine, which is neutral and polar, at codon 264 of the TNFRSF1A protein (p.Thr264Asn). This variant is not present in population databases (gnomAD no frequency). This variant has not been reported in the literature in individuals affected with TNFRSF1A-related conditions. Advanced modeling of protein sequence and biophysical properties (such as structural, functional, and spatial information, amino acid conservation, physicochemical variation, residue mobility, and thermodynamic stability) has been performed at Invitae for this missense variant, however the output from this modeling did not meet the statistical confidence thresholds required to predict the impact of this variant on TNFRSF1A protein function. In summary, the available evidence is currently insufficient to determine the role of this variant in disease. Therefore, it has been classified as a Variant of Uncertain Significance.